The following is an entry in ClinVar:

NM_001170629.2(CHD8):c.2964T>C (p.Phe988=)

Gene: CHD8 (chromodomain helicase DNA binding protein 8; minus strand). Cytogenetic location: 14q11.2.
Variant type: single nucleotide variant.
Coding change: c.2964T>C on transcript NM_001170629.2 (MANE Select); coding-DNA position 2964, T replaced by C.
Protein change: p.Phe988=; no amino-acid change (phenylalanine 988 retained).
Molecular consequence: synonymous variant.
Genome position (GRCh38, 1-based): chr14:21,405,808, A>G on the plus strand (T>C on the coding strand, the complement: CHD8 is on the minus strand). VCF-style: chr14-21405808-A-G. GRCh37 (hg19) VCF-style: chr14-21873967-A-G.
Other names: c.2127T>C, p.Phe709= (NM_020920.4).
Identifiers: ClinVar variation 4851635 (VCV004851635.1).

ClinVar aggregate classification (germline): Uncertain significance (1 of 4 stars; one submission).

Submission:

Greenwood Genetic Center Diagnostic Laboratories, Greenwood Genetic Center
Classification: Uncertain significance. Last evaluated: 2025-02-04. Review status: criteria provided, single submitter. Criteria: ACMG Guidelines, 2015. Collection method: clinical testing. Allele origin: germline.
Comment: PM2